The following is an entry in ClinVar:

ClinVar aggregate classification (germline): Benign. Review status: criteria provided, multiple submitters, no conflicts (2 of 4 stars). 3 submissions from 3 submitters: Benign (3). Last evaluated 2024-07-15.

Allele frequency attached by ClinVar (database versions not stated): gnomAD 0.21350 and 0.21675; TOPMed 0.21437; 1000 Genomes Project 30x 0.22033; 1000 Genomes Project 0.22424.
gnomAD v4.1: 206,330 of 820,098 alleles (25%); highest among the groups gnomAD compares: Middle Eastern, 30%; 27,514 homozygotes.

Submissions (3):

Unidad de Genómica Garrahan, Hospital de Pediatría Garrahan
Classification: Benign. Last evaluated: 2024-07-15. Review status: criteria provided, single submitter. Criteria: ACMG Guidelines, 2015. Collection method: clinical testing. Allele origin: germline. Affected: no. Observed: 37 variant alleles.
Comment: This variant is classified as Benign based on local population frequency. This variant was detected in 40% of patients studied in a panel designed for Epileptic and Developmental Encephalopathy and Progressive Myoclonus Epilepsy. Number of patients: 37. Only high quality variants are reported.

GeneDx
Classification: Benign. Last evaluated: 2019-10-25. Review status: criteria provided, single submitter. Criteria: GeneDx Variant Classification Process June 2021. Collection method: clinical testing. Allele origin: germline. Affected: yes.

Breakthrough Genomics
Classification: Benign. Review status: criteria provided, single submitter. Criteria: ACMG Guidelines, 2015. Collection method: not provided. Allele origin: germline. Inheritance: Autosomal recessive inheritance. Affected: yes.

NM_020401.4(NUP107):c.101-76A>G

Gene: NUP107 (nucleoporin 107; plus strand). Cytogenetic location: 12q15.
Variant type: single nucleotide variant.
Coding change: c.101-76A>G on transcript NM_020401.4 (MANE Select); 76 bases into the intron before coding-DNA position 101, A replaced by G.
Molecular consequence: intron variant.
Genome position (GRCh38, 1-based): chr12:68,689,457, A>G. VCF-style: chr12-68689457-A-G. GRCh37 (hg19) VCF-style: chr12-69083237-A-G.
Other names: c.-15-76A>G (NM_001330192.2).
Identifiers: ClinVar variation 1269304 (VCV001269304.4), dbSNP rs2546509, ClinGen allele CA13669652.